The following is an entry in ClinVar:

ClinVar aggregate classification (germline): Likely benign. Review status: criteria provided, multiple submitters, no conflicts (2 of 4 stars). 3 submissions from 3 submitters: Likely benign (3). Last evaluated 2025-07-16.

Conditions:
NFKB2-related disorder. Also called: NFKB2-related condition.
Immunodeficiency, common variable, 10. Also called: IMMUNODEFICIENCY, COMMON VARIABLE, WITH CENTRAL ADRENAL INSUFFICIENCY; DEFICIT IN ANTERIOR PITUITARY FUNCTION AND VARIABLE IMMUNODEFICIENCY. Identifiers: MedGen C3809991, MONDO:0014260, OMIM 615577.

Allele frequency attached by ClinVar (database versions not stated): gnomAD 0.00001; TOPMed 0.00001; ExAC 0.00002; gnomAD exomes 0.00003; 1000 Genomes Project 30x 0.00016; 1000 Genomes Project 0.00020.
gnomAD v4.1: 24 of 1,609,422 alleles (0.0015%); highest among the groups gnomAD compares: Admixed American, 0.0067%; no homozygotes.

Submissions (3):

PreventionGenetics, part of Exact Sciences
Classification: Likely benign for NFKB2-related condition. Last evaluated: 2025-07-16. Review status: criteria provided, single submitter. Criteria: ACMG Guidelines, 2015. Collection method: clinical testing. Allele origin: germline.
Comment: This variant is classified as likely benign based on ACMG/AMP sequence variant interpretation guidelines (Richards et al. 2015 PMID: 25741868, with internal and published modifications).

Labcorp Genetics (formerly Invitae), Labcorp
Classification: Likely benign for Immunodeficiency, common variable, 10. Last evaluated: 2025-06-30. Review status: criteria provided, single submitter. Criteria: Invitae Variant Classification Sherloc (09022015). Collection method: clinical testing. Allele origin: germline.

Blueprint Genetics
Classification: Likely benign. Last evaluated: 2024-10-30. Review status: criteria provided, single submitter. Criteria: ACMG Guidelines, 2015. Collection method: clinical testing. Allele origin: germline.

NM_001322934.2(NFKB2):c.1776G>A (p.Leu592=)

Gene: NFKB2 (nuclear factor kappa B subunit 2; plus strand). Cytogenetic location: 10q24.32.
Variant type: single nucleotide variant.
Coding change: c.1776G>A on transcript NM_001322934.2 (MANE Select); coding-DNA position 1776, G replaced by A.
Protein change: p.Leu592=; no amino-acid change (leucine 592 retained).
Molecular consequence: synonymous variant.
Genome position (GRCh38, 1-based): chr10:102,400,469, G>A. VCF-style: chr10-102400469-G-A. GRCh37 (hg19) VCF-style: chr10-104160226-G-A.
Other names: c.1776G>A, p.Leu592= (NM_001077494.3, NM_001261403.3, NM_001288724.1 and 1 more transcripts); c.1650G>A, p.Leu550= (NM_001322935.1).
Identifiers: ClinVar variation 1144388 (VCV001144388.11), dbSNP rs571236055, ClinGen allele CA5664887.